The following is an entry in ClinVar:

ClinVar aggregate classification (germline): Benign. Review status: reviewed by expert panel (3 of 4 stars). 4 submissions from 4 submitters: Benign (1). 3 of the submissions do not count toward it. Last evaluated 2025-03-25.

Conditions:
Inborn genetic diseases. Identifiers: MedGen C0950123, MeSH D030342.
Hereditary thrombocytopenia and hematologic cancer predisposition syndrome. Identifiers: Orphanet 71290, MedGen CN281654, MONDO:0011071.
Hereditary thrombocytopenia and hematological cancer predisposition syndrome associated with RUNX1. Also called: PLATELET DISORDER, ASPIRIN-LIKE; Familial Platelet Disorder with Propensity to Acute Myelogenous Leukemia; Familial thrombocytopenia with propensity to acute myelogenous leukemia; RUNX1 Familial Platelet Disorder with Associated Myeloid Malignancies. Identifiers: Orphanet 71290, MedGen C1832388, MeSH C563324, MONDO:0100083, OMIM 601399.

Allele frequency attached by ClinVar (database versions not stated): gnomAD 0.00001 and 0.00002; TOPMed 0.00008; gnomAD exomes 0.00009 and 0.00020; 1000 Genomes Project 0.00020; ExAC 0.00021; 1000 Genomes Project 30x 0.00031.
gnomAD v4.1: 56 of 1,614,134 alleles (0.0035%); highest among the groups gnomAD compares: Admixed American, 0.093%; no homozygotes.

Submissions (4):

ClinGen Myeloid Malignancy Variant Curation Expert Panel
Classification: Benign for Hereditary thrombocytopenia and hematologic cancer predisposition syndrome. Last evaluated: 2025-03-25. Review status: reviewed by expert panel. Criteria: ClinGen MyeloMalig ACMG Specifications v2. Collection method: curation. Allele origin: germline. Inheritance: Autosomal dominant inheritance.
Comment: NM_001754.5(RUNX1):c.824C>T (p.Pro275Leu) is a missense variant which has a minor allele frequency (MAF) of 0.00225 (0.2%, 26/11,566 alleles) in the Latino subpopulation of the ExAC cohort, which is ≥ 0.0015 (0.15%) (BA1). This variant also has a REVEL score < 0.15 (0.146) (BP4). In summary, this variant meets criteria to be classified as benign. ACMG/AMP criteria applied, as specified by the Myeloid Malignancy Variant Curation Expert Panel for RUNX1: BA1, BP4.

Labcorp Genetics (formerly Invitae), Labcorp
Classification: Likely benign for Hereditary thrombocytopenia and hematological cancer predisposition syndrome associated with RUNX1. Last evaluated: 2026-01-19. Review status: criteria provided, single submitter. Criteria: Invitae Variant Classification Sherloc (09022015). Collection method: clinical testing. Allele origin: germline. Not counted in ClinVar's aggregate classification.

GeneDx
Classification: Uncertain significance. Last evaluated: 2025-04-07. Review status: criteria provided, single submitter. Criteria: GeneDx Variant Classification Process June 2021. Collection method: clinical testing. Allele origin: germline. Affected: yes. Not counted in ClinVar's aggregate classification.
Comment: In silico analysis supports that this missense variant has a deleterious effect on protein structure/function; Has not been previously published as pathogenic or benign to our knowledge; This variant is associated with the following publications: (PMID: 30803559)

Ambry Genetics
Classification: Benign for Inborn genetic diseases. Last evaluated: 2024-06-25. Review status: criteria provided, single submitter. Criteria: Ambry Variant Classification Scheme 2023. Collection method: clinical testing. Allele origin: germline. Not counted in ClinVar's aggregate classification.

NM_001754.5(RUNX1):c.824C>T (p.Pro275Leu)

Gene: RUNX1 (RUNX family transcription factor 1; minus strand). Cytogenetic location: 21q22.12.
Variant type: single nucleotide variant.
Coding change: c.824C>T on transcript NM_001754.5 (MANE Select); coding-DNA position 824, C replaced by T.
Protein change: p.Pro275Leu; replaces proline 275 with leucine.
Molecular consequence: missense variant.
Genome position (GRCh38, 1-based): chr21:34,799,444, G>A on the plus strand (C>T on the coding strand, the complement: RUNX1 is on the minus strand). VCF-style: chr21-34799444-G-A. GRCh37 (hg19) VCF-style: chr21-36171741-G-A.
Other names: NM_001754.4(RUNX1):c.824C>T; NM_001754.5(RUNX1):c.824C>T; c.743C>T, p.Pro248Leu (NM_001001890.3); short protein forms P275L, P248L.
Identifiers: ClinVar variation 464009 (VCV000464009.18), dbSNP rs201164283, ClinGen allele CA10014287.